The following is an entry in ClinVar:

ClinVar aggregate classification (germline): Uncertain significance (1 of 4 stars; one submission).

Conditions:
DICER1-related tumor predisposition. Also called: DICER1-related pleuropulmonary blastoma cancer predisposition syndrome; DICER1 syndrome. Identifiers: Orphanet 284343, MedGen C3839822, MONDO:0100216.

gnomAD v4.1: 1 of 1,614,118 alleles (0.000062%); no homozygotes.

Submission:

Labcorp Genetics (formerly Invitae), Labcorp
Classification: Uncertain significance for DICER1-related tumor predisposition. Last evaluated: 2019-07-29. Review status: criteria provided, single submitter. Criteria: Invitae Variant Classification Sherloc (09022015). Collection method: clinical testing. Allele origin: germline.
Comment: This sequence change replaces threonine with proline at codon 1251 of the DICER1 protein (p.Thr1251Pro). The threonine residue is moderately conserved and there is a small physicochemical difference between threonine and proline. This variant is not present in population databases (ExAC no frequency). This variant has not been reported in the literature in individuals with DICER1-related conditions. Algorithms developed to predict the effect of missense changes on protein structure and function are either unavailable or do not agree on the potential impact of this missense change (SIFT: "Tolerated"; PolyPhen-2: "Possibly Damaging"; Align-GVGD: "Class C0"). In summary, the available evidence is currently insufficient to determine the role of this variant in disease. Therefore, it has been classified as a Variant of Uncertain Significance.

NM_177438.3(DICER1):c.3751A>C (p.Thr1251Pro)

Gene: DICER1 (dicer 1, ribonuclease III; minus strand). Cytogenetic location: 14q32.13.
Variant type: single nucleotide variant.
Coding change: c.3751A>C on transcript NM_177438.3 (MANE Select); coding-DNA position 3751, A replaced by C.
Protein change: p.Thr1251Pro; replaces threonine 1251 with proline.
Molecular consequence: missense variant.
Genome position (GRCh38, 1-based): chr14:95,103,645, T>G on the plus strand (A>C on the coding strand, the complement: DICER1 is on the minus strand). VCF-style: chr14-95103645-T-G. GRCh37 (hg19) VCF-style: chr14-95569982-T-G.
Other names: c.3751A>C, p.Thr1251Pro (NM_030621.4, NM_001195573.1, NM_001271282.3 and 1 more transcripts); short protein forms T1251P.
Identifiers: ClinVar variation 933699 (VCV000933699.11), dbSNP rs1595365057, ClinGen allele CA390874182.